The following is an entry in ClinVar:

NM_016824.5(ADD3):c.121A>G (p.Met41Val)

Gene: ADD3 (adducin 3; plus strand). Cytogenetic location: 10q25.2.
Variant type: single nucleotide variant.
Coding change: c.121A>G on transcript NM_016824.5 (MANE Select); coding-DNA position 121, A replaced by G.
Protein change: p.Met41Val; replaces methionine 41 with valine.
Molecular consequence: missense variant. On other transcripts: 5 prime UTR variant (1).
Genome position (GRCh38, 1-based): chr10:110,100,774, A>G. VCF-style: chr10-110100774-A-G. GRCh37 (hg19) VCF-style: chr10-111860532-A-G.
Other names: c.121A>G, p.Met41Val (NM_001121.4, NM_001320591.2, NM_001320592.2 and 2 more transcripts); c.-168A>G (NM_001320594.2); short protein forms M41V.
Identifiers: ClinVar variation 2415130 (VCV002415130.6), dbSNP rs761201144, ClinGen allele CA5686261.
Genomic context (GRCh38, chr10:110,100,774, plus strand): 5'-AAAGAGAGATATTTTGACCGCATCAATGAAAATGACCCAGAATACATTAGGGAGAGGAAC[A>G]TGTCTCCTGATCTACGACAAGACTTCAACATGATGGAGCAGAGGAAACGAGTTACTCAGA-3'
Protein context (NP_058432.1, residues 31-51): NDPEYIRERN[Met41Val]SPDLRQDFNM

ClinVar aggregate classification (germline): Uncertain significance (1 of 4 stars; one submission).

Allele frequency attached by ClinVar (database versions not stated): gnomAD 0.00001; gnomAD exomes 0.00001; TOPMed 0.00001; ExAC 0.00002.
gnomAD v4.1: 7 of 1,613,792 alleles (0.00043%); highest among the groups gnomAD compares: Admixed American, 0.0067%; no homozygotes.

Submission:

Labcorp Genetics (formerly Invitae), Labcorp
Classification: Uncertain significance. Last evaluated: 2025-11-17. Review status: criteria provided, single submitter. Criteria: Invitae Variant Classification Sherloc (09022015). Collection method: clinical testing. Allele origin: germline.
Comment: This sequence change replaces methionine, which is neutral and non-polar, with valine, which is neutral and non-polar, at codon 41 of the ADD3 protein (p.Met41Val). This variant is present in population databases (rs761201144, gnomAD 0.01%). This variant has not been reported in the literature in individuals affected with ADD3-related conditions. ClinVar contains an entry for this variant (Variation ID: 2415130). Invitae Evidence Modeling of protein sequence and biophysical properties (such as structural, functional, and spatial information, amino acid conservation, physicochemical variation, residue mobility, and thermodynamic stability) indicates that this missense variant is not expected to disrupt ADD3 protein function with a negative predictive value of 80%. In summary, the available evidence is currently insufficient to determine the role of this variant in disease. Therefore, it has been classified as a Variant of Uncertain Significance.